The following is an entry in ClinVar:

ClinVar aggregate classification (germline): Uncertain significance (1 of 4 stars; one submission).

Conditions:
Bifunctional peroxisomal enzyme deficiency (DBIF). Also called: DBP DEFICIENCY; D-bifunctional protein deficiency; PBFE DEFICIENCY. Identifiers: Orphanet 300, MedGen C0342870, MONDO:0009855, OMIM 261515. Disease mechanism: loss of function.
Perrault syndrome. Also called: Gonadal dysgenesis with auditory dysfunction, autosomal recessive inheritance. Identifiers: Orphanet 2855, MedGen C0685838, MONDO:0017312.

Allele frequency attached by ClinVar (database versions not stated): ExAC 0.00001; gnomAD exomes 0.00001.
gnomAD v4.1: 12 of 1,606,260 alleles (0.00075%); highest among the groups gnomAD compares: Middle Eastern, 0.017%; no homozygotes.

Submission:

Labcorp Genetics (formerly Invitae), Labcorp
Classification: Uncertain significance for Perrault syndrome; Bifunctional peroxisomal enzyme deficiency. Last evaluated: 2022-07-31. Review status: criteria provided, single submitter. Criteria: Invitae Variant Classification Sherloc (09022015). Collection method: clinical testing. Allele origin: germline.
Comment: This sequence change replaces asparagine, which is neutral and polar, with serine, which is neutral and polar, at codon 457 of the HSD17B4 protein (p.Asn457Ser). This variant is present in population databases (rs752715729, gnomAD 0.006%). This variant has not been reported in the literature in individuals affected with HSD17B4-related conditions. Advanced modeling of protein sequence and biophysical properties (such as structural, functional, and spatial information, amino acid conservation, physicochemical variation, residue mobility, and thermodynamic stability) performed at Invitae indicates that this missense variant is not expected to disrupt HSD17B4 protein function. Algorithms developed to predict the effect of sequence changes on RNA splicing suggest that this variant may create or strengthen a splice site. This variant disrupts the p.Asn457 amino acid residue in HSD17B4. Other variant(s) that disrupt this residue have been determined to be pathogenic (PMID: 10400999, 16385454, 22864515, 23181892, 25882080). This suggests that this residue is clinically significant, and that variants that disrupt this residue are likely to be disease-causing. In summary, the available evidence is currently insufficient to determine the role of this variant in disease. Therefore, it has been classified as a Variant of Uncertain Significance.

Literature cited by the submitters: PubMed 10400999; PubMed 16385454; PubMed 22864515; PubMed 23181892; PubMed 25882080.

NM_000414.4(HSD17B4):c.1370A>G (p.Asn457Ser)

Gene: HSD17B4 (hydroxysteroid 17-beta dehydrogenase 4; plus strand). Cytogenetic location: 5q23.1.
Variant type: single nucleotide variant.
Coding change: c.1370A>G on transcript NM_000414.4 (MANE Select); coding-DNA position 1370, A replaced by G.
Protein change: p.Asn457Ser; replaces asparagine 457 with serine.
Molecular consequence: missense variant. On other transcripts: non-coding transcript variant (2).
Genome position (GRCh38, 1-based): chr5:119,509,177, A>G. VCF-style: chr5-119509177-A-G. GRCh37 (hg19) VCF-style: chr5-118844872-A-G.
Other names: c.1445A>G, p.Asn482Ser (NM_001199291.3); c.1316A>G, p.Asn439Ser (NM_001199292.2); c.1298A>G, p.Asn433Ser (NM_001292027.2, NM_001374498.1); c.950A>G, p.Asn317Ser (NM_001292028.2); c.1361A>G, p.Asn454Ser (NM_001374497.1); c.1043A>G, p.Asn348Ser (NM_001374499.1); c.929A>G, p.Asn310Ser (NM_001374500.1); c.959A>G, p.Asn320Ser (NM_001374501.1, NM_001374502.1, NM_001374503.1); short protein forms N310S, N317S, N320S, N348S, N433S, N439S, N454S, N457S.
Identifiers: ClinVar variation 2420076 (VCV002420076.3), dbSNP rs752715729, ClinGen allele CA3382215.
Genomic context (GRCh38, chr5:119,509,177, plus strand): 5'-TTTTTTCTTTTATTTACTTTTCAGTCTATTCTTATTCTGAGAAGGAACTTATATGCCACA[A>G]TCAGTTCTCTCTCTTTCTTGTTGGCTCTGGAGGCTTTGGTGGAAAACGGACATCAGACAA-3'
Protein context (NP_000405.1, residues 447-467): SYSEKELICH[Asn457Ser]QFSLFLVGSG